The following is an entry in ClinVar:

ClinVar aggregate classification (germline): Pathogenic/Likely pathogenic. Review status: criteria provided, multiple submitters, no conflicts (2 of 4 stars). 4 submissions from 4 submitters: Pathogenic (2); Likely pathogenic (2). Last evaluated 2025-03-05.

Conditions:
TCTN2-related disorder. Also called: TCTN2-related condition; TCTN2-related disorders. Identifiers: MedGen CN239412.
Joubert syndrome and related disorders. Identifiers: Orphanet 140874, MedGen C5679612, MONDO:0015369.
Meckel-Gruber syndrome. Also called: DYSENCEPHALIA SPLANCHNOCYSTICA; Dysencephalia splachnocystica; GRUBER SYNDROME. Identifiers: Orphanet 564, MedGen C0265215, MONDO:0018921.
Joubert syndrome. Also called: Familial aplasia of the vermis; JOUBERT-BOLTSHAUSER SYNDROME. Identifiers: Orphanet 475, MedGen C5979921, MONDO:0018772.

Allele frequency attached by ClinVar (database versions not stated): gnomAD 0.00001; TOPMed 0.00001; ExAC 0.00002; 1000 Genomes Project 30x 0.00016; 1000 Genomes Project 0.00020.

Submissions (4):

Labcorp Genetics (formerly Invitae), Labcorp
Classification: Pathogenic for Joubert syndrome; Meckel-Gruber syndrome. Last evaluated: 2025-03-05. Review status: criteria provided, single submitter. Criteria: Invitae Variant Classification Sherloc (09022015). Collection method: clinical testing. Allele origin: germline.
Comment: This sequence change replaces isoleucine, which is neutral and non-polar, with lysine, which is basic and polar, at codon 584 of the TCTN2 protein (p.Ile584Lys). This variant is present in population databases (rs201010803, gnomAD 0.01%). This missense change has been observed in individual(s) with Joubert syndrome (PMID: 26092869). ClinVar contains an entry for this variant (Variation ID: 217698). Invitae Evidence Modeling of protein sequence and biophysical properties (such as structural, functional, and spatial information, amino acid conservation, physicochemical variation, residue mobility, and thermodynamic stability) indicates that this missense variant is expected to disrupt TCTN2 protein function with a positive predictive value of 80%. For these reasons, this variant has been classified as Pathogenic.

Women's Health and Genetics/Laboratory Corporation of America, LabCorp
Classification: Likely pathogenic for Joubert syndrome and related disorders. Last evaluated: 2021-08-10. Review status: criteria provided, single submitter. Criteria: LabCorp Variant Classification Summary - May 2015. Collection method: clinical testing. Allele origin: germline.
Comment: Variant summary: TCTN2 c.1751T>A (p.Ile584Lys) results in a non-conservative amino acid change in the encoded protein sequence. Five of five in-silico tools predict a damaging effect of the variant on protein function. The variant allele was found at a frequency of 2e-05 in 251484 control chromosomes. c.1751T>A has been reported in the literature in three individuals affected with Joubert Syndrome, presumably from the same family (Bachmann-Gagescu_2015, Phelps_2018). These data indicate that the variant is very likely to be associated with disease. To our knowledge, no experimental evidence demonstrating an impact on protein function has been reported. One clinical diagnostic laboratory has submitted clinical-significance assessments for this variant to ClinVar after 2014 without evidence for independent evaluation. One laboratory classified the variant as pathogenic. Based on the evidence outlined above, the variant was classified as likely pathogenic.

Blueprint Genetics
Classification: Likely pathogenic for TCTN2-related disorders. Last evaluated: 2021-08-02. Review status: criteria provided, single submitter. Criteria: ACMG Guidelines, 2015. Collection method: clinical testing. Allele origin: germline. Affected: yes. Observed: 2 variant alleles.

UW Hindbrain Malformation Research Program, University of Washington
Classification: Pathogenic for Joubert syndrome. Last evaluated: 2015-02-23. Review status: criteria provided, single submitter. Criteria: Bachmann-Gagescu et al. (J Med Genet. 2015). Collection method: research. Allele origin: unknown. Affected: yes.

Literature cited by the submitters: PubMed 26092869 (cited by Labcorp Genetics (formerly Invitae), Labcorp and Women's Health and Genetics/Laboratory Corporation of America, LabCorp); PubMed 28771248 (cited by Women's Health and Genetics/Laboratory Corporation of America, LabCorp).

NM_024809.5(TCTN2):c.1751T>A (p.Ile584Lys)

Gene: TCTN2 (tectonic family member 2; plus strand). Cytogenetic location: 12q24.31.
Variant type: single nucleotide variant.
Coding change: c.1751T>A on transcript NM_024809.5 (MANE Select); coding-DNA position 1751, T replaced by A.
Protein change: p.Ile584Lys; replaces isoleucine 584 with lysine.
Molecular consequence: missense variant.
Genome position (GRCh38, 1-based): chr12:123,704,670, T>A. VCF-style: chr12-123704670-T-A. GRCh37 (hg19) VCF-style: chr12-124189217-T-A.
Other names: c.1748T>A, p.Ile583Lys (NM_001143850.3); short protein forms I584K, I583K.
Identifiers: ClinVar variation 217698 (VCV000217698.11), dbSNP rs201010803, ClinGen allele CA210283.
Genomic context (GRCh38, chr12:123,704,670, plus strand): 5'-TGAGCATCCGCATCCTCATCTCGGATGCTGGCGCGGTGGAAGGGATTACTCAGCAGGAGA[T>A]ACTCGGTGTAGAGACAAGGTATGATCACATCTTGGATCACCGTAGTTTAGAGAGAGTCAG-3'
Protein context (NP_079085.2, residues 574-594): GAVEGITQQE[Ile584Lys]LGVETRFSSV